The following is an entry in ClinVar:

ClinVar aggregate classification (germline): Conflicting classifications of pathogenicity. Review status: criteria provided, conflicting classifications (1 of 4 stars). 2 submissions from 2 submitters: Uncertain significance (1); Likely benign (1). Last evaluated 2025-03-19.

Allele frequency attached by ClinVar (database versions not stated): TOPMed below 0.00001; gnomAD 0.00001; gnomAD exomes 0.00004; ExAC 0.00007.
gnomAD v4.1: 68 of 1,613,948 alleles (0.0042%); highest among the groups gnomAD compares: South Asian, 0.056%; no homozygotes.

Submissions (2):

Ambry Genetics
Classification: Likely benign. Last evaluated: 2025-03-19. Review status: criteria provided, single submitter. Criteria: Ambry Variant Classification Scheme 2023. Collection method: clinical testing. Allele origin: germline.

Labcorp Genetics (formerly Invitae), Labcorp
Classification: Uncertain significance. Last evaluated: 2024-04-30. Review status: criteria provided, single submitter. Criteria: Invitae Variant Classification Sherloc (09022015). Collection method: clinical testing. Allele origin: germline.
Comment: This sequence change replaces serine, which is neutral and polar, with arginine, which is basic and polar, at codon 369 of the ARHGAP24 protein (p.Ser369Arg). This variant is present in population databases (rs762866205, gnomAD 0.06%), and has an allele count higher than expected for a pathogenic variant. This variant has not been reported in the literature in individuals affected with ARHGAP24-related conditions. ClinVar contains an entry for this variant (Variation ID: 1903107). An algorithm developed to predict the effect of missense changes on protein structure and function (PolyPhen-2) suggests that this variant is likely to be tolerated. In summary, the available evidence is currently insufficient to determine the role of this variant in disease. Therefore, it has been classified as a Variant of Uncertain Significance.

NM_001025616.3(ARHGAP24):c.1107C>G (p.Ser369Arg)

Gene: ARHGAP24 (Rho GTPase activating protein 24; plus strand). Cytogenetic location: 4q21.23.
Variant type: single nucleotide variant.
Coding change: c.1107C>G on transcript NM_001025616.3 (MANE Select); coding-DNA position 1107, C replaced by G.
Protein change: p.Ser369Arg; replaces serine 369 with arginine.
Molecular consequence: missense variant.
Genome position (GRCh38, 1-based): chr4:85,994,761, C>G. VCF-style: chr4-85994761-C-G. GRCh37 (hg19) VCF-style: chr4-86915914-C-G.
Other names: c.822C>G, p.Ser274Arg (NM_001042669.2); c.852C>G, p.Ser284Arg (NM_001287805.2); c.528C>G, p.Ser176Arg (NM_001346093.2); c.828C>G, p.Ser276Arg (NM_031305.3); c.1107C>G (NM_001025616.2); short protein forms S276R, S284R, S176R, S274R, S369R.
Identifiers: ClinVar variation 1903107 (VCV001903107.6), dbSNP rs762866205, ClinGen allele CA2994674.